The following is an entry in ClinVar:

NM_002107.7(H3-3A):c.322A>G (p.Thr108Ala)

Gene: H3-3A (H3.3 histone A; plus strand). Cytogenetic location: 1q42.12.
Variant type: single nucleotide variant.
Coding change: c.322A>G on transcript NM_002107.7 (MANE Select); coding-DNA position 322, A replaced by G.
Protein change: p.Thr108Ala; replaces threonine 108 with alanine.
Molecular consequence: missense variant.
Genome position (GRCh38, 1-based): chr1:226,071,390, A>G. VCF-style: chr1-226071390-A-G. GRCh37 (hg19) VCF-style: chr1-226259091-A-G.
Other names: c.322A>G, p.Thr108Ala (NM_001379043.1, NM_001379045.1, NM_001379046.1 and 1 more transcripts); short protein forms T108A.
Identifiers: ClinVar variation 3572674 (VCV003572674.1).

ClinVar aggregate classification (germline): Uncertain significance (1 of 4 stars; one submission).

Submission:

GeneDx
Classification: Uncertain significance. Last evaluated: 2024-07-09. Review status: criteria provided, single submitter. Criteria: GeneDx Variant Classification Process June 2021. Collection method: clinical testing. Allele origin: germline. Affected: yes.
Comment: Not observed at significant frequency in large population cohorts (gnomAD); In silico analysis supports that this missense variant has a deleterious effect on protein structure/function; Has not been previously published as pathogenic or benign to our knowledge